The following is an entry in ClinVar:

ClinVar aggregate classification (germline): Benign. Review status: criteria provided, multiple submitters, no conflicts (2 of 4 stars). 2 submissions from 2 submitters: Benign (2). Last evaluated 2018-01-13.

Conditions:
Deficiency of 2-methylbutyryl-CoA dehydrogenase (ACADSB). Also called: 2-methylbutyryl-CoA dehydrogenase deficiency; SBCAD deficiency; 2-methylbutyric aciduria; Short branched-chain acyl-CoA dehydrogenase deficiency; 2-methylbutyrylglycinuria. Identifiers: Orphanet 79157, MedGen C1864912, MONDO:0012392, OMIM 610006, HP:0020147.

Allele frequency attached by ClinVar (database versions not stated): TOPMed 0.00976; 1000 Genomes Project 30x 0.01249; gnomAD 0.00821 and 0.00878; 1000 Genomes Project 0.01058.

Submissions (2):

Illumina Laboratory Services, Illumina
Classification: Benign for Deficiency of 2-methylbutyryl-CoA dehydrogenase. Last evaluated: 2018-01-13. Review status: criteria provided, single submitter. Criteria: ICSL Variant Classification Criteria 13 December 2019. Collection method: clinical testing. Allele origin: germline.
Comment: This variant was observed in the ICSL laboratory as part of a predisposition screen in an ostensibly healthy population. It had not been previously curated by ICSL or reported in the Human Gene Mutation Database (HGMD: prior to June 1st, 2018), and was therefore a candidate for classification through an automated scoring system. Utilizing variant allele frequency, disease prevalence and penetrance estimates, and inheritance mode, an automated score was calculated to assess if this variant is too frequent to cause the disease. Based on the score and internal cut-off values, a variant classified as benign is not then subjected to further curation. The score for this variant resulted in a classification of benign for this disease.

Breakthrough Genomics
Classification: Benign. Review status: criteria provided, single submitter. Criteria: ACMG Guidelines, 2015. Collection method: not provided. Allele origin: germline. Inheritance: Autosomal recessive inheritance. Affected: yes.

NM_001609.3(ACADSB):c.-87G>T

Gene: ACADSB (acyl-CoA dehydrogenase short/branched chain; plus strand). Cytogenetic location: 10q26.13.
Variant type: single nucleotide variant.
Coding change: c.-87G>T on transcript NM_001609.3; 87 bases upstream of the start codon, G replaced by T.
Genome position (GRCh38, 1-based): chr10:123,008,943, G>T. VCF-style: chr10-123008943-G-T. GRCh37 (hg19) VCF-style: chr10-124768459-G-T.
Identifiers: ClinVar variation 299065 (VCV000299065.8), dbSNP rs150850221, ClinGen allele CA10634833.